The following is an entry in ClinVar:

ClinVar aggregate classification (germline): Uncertain significance (1 of 4 stars; one submission).

Conditions:
Familial focal epilepsy with variable foci (FPEVF). Identifiers: Orphanet 98820, MedGen C1858477, MONDO:0020310.

Submission:

Labcorp Genetics (formerly Invitae), Labcorp
Classification: Uncertain significance for Familial focal epilepsy with variable foci. Last evaluated: 2025-03-31. Review status: criteria provided, single submitter. Criteria: Invitae Variant Classification Sherloc (09022015). Collection method: clinical testing. Allele origin: germline.
Comment: This sequence change replaces arginine, which is basic and polar, with glycine, which is neutral and non-polar, at codon 356 of the DEPDC5 protein (p.Arg356Gly). This variant is not present in population databases (gnomAD no frequency). This variant has not been reported in the literature in individuals affected with DEPDC5-related conditions. Experimental studies and prediction algorithms are not available or were not evaluated, and the functional significance of this variant is currently unknown. In summary, the available evidence is currently insufficient to determine the role of this variant in disease. Therefore, it has been classified as a Variant of Uncertain Significance.

NM_001242896.3(DEPDC5):c.1066C>G (p.Arg356Gly)

Gene: DEPDC5 (DEP domain containing 5, GATOR1 subcomplex subunit; plus strand). Cytogenetic location: 22q12.3.
Variant type: single nucleotide variant.
Coding change: c.1066C>G on transcript NM_001242896.3 (MANE Select); coding-DNA position 1066, C replaced by G.
Protein change: p.Arg356Gly; replaces arginine 356 with glycine.
Molecular consequence: missense variant. On other transcripts: non-coding transcript variant (5).
Genome position (GRCh38, 1-based): chr22:31,802,823, C>G. VCF-style: chr22-31802823-C-G. GRCh37 (hg19) VCF-style: chr22-32198809-C-G.
Other names: c.1066C>G, p.Arg356Gly (NM_001007188.4, NM_001136029.4, NM_001242897.2 and 7 more transcripts); c.982C>G, p.Arg328Gly (NM_001369901.1, NM_001369902.1); short protein forms R328G, R356G.
Identifiers: ClinVar variation 4776639 (VCV004776639.1).